The following is an entry in ClinVar:

NM_030782.5(CLPTM1L):c.1314C>T (p.Asn438=)

Gene: CLPTM1L (CLPTM1 like). Cytogenetic location: 5p15.33.
Variant type: single nucleotide variant.
Coding change: c.1314C>T on transcript NM_030782.5 (MANE Select); coding-DNA position 1314, C replaced by T.
Protein change: p.Asn438=; no amino-acid change (asparagine 438 retained).
Molecular consequence: synonymous variant.
Genome position (GRCh38, 1-based): chr5:1,322,878, G>A on the plus strand (C>T on the coding strand, the complement: CLPTM1L is on the minus strand). VCF-style: chr5-1322878-G-A. GRCh37 (hg19) VCF-style: chr5-1322993-G-A.
Identifiers: ClinVar variation 3041255 (VCV003041255.2), dbSNP rs115028409, ClinGen allele CA3185188.

ClinVar aggregate classification (germline): Benign (0 of 4 stars; one submission).

Conditions:
CLPTM1L-related disorder. Also called: CLPTM1L-related condition.

Allele frequency attached by ClinVar (database versions not stated): gnomAD exomes 0.00042; ExAC 0.00128; ESP Exome Variant Server 0.00384; gnomAD 0.00413; TOPMed 0.00510; 1000 Genomes Project 0.00579; 1000 Genomes Project 30x 0.00593.
gnomAD v4.1: 1,307 of 1,613,986 alleles (0.081%); highest among the groups gnomAD compares: African/African-American, 1.3%; 5 homozygotes.

Submission:

PreventionGenetics, part of Exact Sciences
Classification: Benign for CLPTM1L-related condition. Last evaluated: 2019-05-09. Review status: no assertion criteria provided. Collection method: clinical testing. Allele origin: germline.
Comment: This variant is classified as benign based on ACMG/AMP sequence variant interpretation guidelines (Richards et al. 2015 PMID: 25741868, with internal and published modifications).